The following is an entry in ClinVar:

NM_001367549.1(ATP13A3):c.1584G>A (p.Val528=)

Gene: ATP13A3 (ATPase 13A3; minus strand). Cytogenetic location: 3q29.
Variant type: single nucleotide variant.
Coding change: c.1584G>A on transcript NM_001367549.1 (MANE Select); coding-DNA position 1584, G replaced by A.
Protein change: p.Val528=; no amino-acid change (valine 528 retained).
Molecular consequence: synonymous variant. On other transcripts: non-coding transcript variant (1).
Genome position (GRCh38, 1-based): chr3:194,441,437, C>T on the plus strand (G>A on the coding strand, the complement: ATP13A3 is on the minus strand). VCF-style: chr3-194441437-C-T. GRCh37 (hg19) VCF-style: chr3-194162166-C-T.
Other names: c.1503G>A, p.Val501= (NM_001374836.1); c.1584G>A, p.Val528= (NM_024524.4); c.1584G>A (NM_024524.3).
Identifiers: ClinVar variation 2049067 (VCV002049067.6), dbSNP rs188365096, ClinGen allele CA2761937.

ClinVar aggregate classification (germline): Benign. Review status: criteria provided, single submitter (1 of 4 stars). 2 submissions from 2 submitters: Benign (1). 1 of the submissions does not count toward it. Last evaluated 2024-01-28.

Conditions:
ATP13A3-related disorder. Also called: ATP13A3-related condition.

Allele frequency attached by ClinVar (database versions not stated): gnomAD 0.00210; ExAC 0.00071; 1000 Genomes Project 30x 0.00141; 1000 Genomes Project 0.00160; gnomAD exomes 0.00020; TOPMed 0.00223; ESP Exome Variant Server 0.00270.
gnomAD v4.1: 615 of 1,613,400 alleles (0.038%); highest among the groups gnomAD compares: African/African-American, 0.74%; 2 homozygotes.

Submissions (2):

Labcorp Genetics (formerly Invitae), Labcorp
Classification: Benign. Last evaluated: 2024-01-28. Review status: criteria provided, single submitter. Criteria: Invitae Variant Classification Sherloc (09022015). Collection method: clinical testing. Allele origin: germline.

PreventionGenetics, part of Exact Sciences
Classification: Benign for ATP13A3-related condition. Last evaluated: 2019-05-27. Review status: no assertion criteria provided. Collection method: clinical testing. Allele origin: germline. Not counted in ClinVar's aggregate classification.
Comment: This variant is classified as benign based on ACMG/AMP sequence variant interpretation guidelines (Richards et al. 2015 PMID: 25741868, with internal and published modifications).